The following is an entry in ClinVar:

ClinVar aggregate classification (germline): Uncertain significance (1 of 4 stars; one submission).

Conditions:
Neuropathy, hereditary sensory and autonomic, type 2A (HSAN2A). Also called: MORVAN DISEASE; NEUROPATHY, CONGENITAL SENSORY; NEUROPATHY, HEREDITARY SENSORY RADICULAR, AUTOSOMAL RECESSIVE; NEUROPATHY, HEREDITARY SENSORY, TYPE IIA; NEUROPATHY, PROGRESSIVE SENSORY, OF CHILDREN; ACROOSTEOLYSIS, GIACCAI TYPE. Identifiers: Orphanet 970, MedGen C2752089, MONDO:0024309, OMIM 201300.
Generalized epilepsy with febrile seizures plus, type 7 (GEFSP7). Also called: GEFS+, TYPE 7. Identifiers: Orphanet 36387, MedGen C2751778, MONDO:0013470, OMIM 613863.

Allele frequency attached by ClinVar (database versions not stated): gnomAD exomes below 0.00001; TOPMed below 0.00001.
gnomAD v4.1: 1 of 1,614,012 alleles (0.000062%); highest among the groups gnomAD compares: Admixed American, 0.0017%; no homozygotes.

Submission:

Labcorp Genetics (formerly Invitae), Labcorp
Classification: Uncertain significance for Neuropathy, hereditary sensory and autonomic, type 2A; Generalized epilepsy with febrile seizures plus, type 7. Last evaluated: 2022-08-06. Review status: criteria provided, single submitter. Criteria: Invitae Variant Classification Sherloc (09022015). Collection method: clinical testing. Allele origin: germline.
Comment: This sequence change replaces valine, which is neutral and non-polar, with methionine, which is neutral and non-polar, at codon 1880 of the SCN9A protein (p.Val1880Met). This variant is present in population databases (no rsID available, gnomAD 0.003%). This variant has not been reported in the literature in individuals affected with SCN9A-related conditions. ClinVar contains an entry for this variant (Variation ID: 1058809). Algorithms developed to predict the effect of missense changes on protein structure and function (SIFT, PolyPhen-2, Align-GVGD) all suggest that this variant is likely to be tolerated. In summary, the available evidence is currently insufficient to determine the role of this variant in disease. Therefore, it has been classified as a Variant of Uncertain Significance.

NM_001365536.1(SCN9A):c.5671G>A (p.Val1891Met)

Genes: SCN9A (sodium voltage-gated channel alpha subunit 9; minus strand), SCN1A-AS1 (SCN1A and SCN9A antisense RNA 1; plus strand). Cytogenetic location: 2q24.3.
Variant type: single nucleotide variant.
Coding change: c.5671G>A on transcript NM_001365536.1 (MANE Select); coding-DNA position 5671, G replaced by A.
Protein change: p.Val1891Met; replaces valine 1891 with methionine.
Molecular consequence: missense variant.
Genome position (GRCh38, 1-based): chr2:166,198,968, C>T on the plus strand (G>A on the coding strand, the complement: SCN9A is on the minus strand). VCF-style: chr2-166198968-C-T. GRCh37 (hg19) VCF-style: chr2-167055478-C-T.
Other names: c.5638G>A, p.Val1880Met (NM_002977.4); short protein forms V1880M, V1891M.
Identifiers: ClinVar variation 1058809 (VCV001058809.9), dbSNP rs1473422651, ClinGen allele CA349051750.
Genomic context (GRCh38, chr2:166,198,968, plus strand): 5'-TTTTGACATTTTGCCTTAAGCGGTAACGTCTATAAGCACGCTGAATGACAGTAGCAGACA[C>T]ATCCTCTTGTTTCCGTTTTAGTGTGGTTGTGATGGGTTCATAGGACACTTTGGAAGGATT-3'
Protein context (NP_001352465.1, residues 1881-1901): TTTLKRKQED[Val1891Met]SATVIQRAYR